The following is an entry in ClinVar:

NM_000238.4(KCNH2):c.2536C>T (p.Pro846Ser)

Gene: KCNH2 (potassium voltage-gated channel subfamily H member 2; minus strand). Cytogenetic location: 7q36.1.
Variant type: single nucleotide variant.
Coding change: c.2536C>T on transcript NM_000238.4 (MANE Select); coding-DNA position 2536, C replaced by T.
Protein change: p.Pro846Ser; replaces proline 846 with serine.
Molecular consequence: missense variant.
Genome position (GRCh38, 1-based): chr7:150,948,912, G>A on the plus strand (C>T on the coding strand, the complement: KCNH2 is on the minus strand). VCF-style: chr7-150948912-G-A. GRCh37 (hg19) VCF-style: chr7-150646000-G-A.
Other names: p.P846S:CCT>TCT; c.2536C>T (LRG_288t1); c.1516C>T, p.Pro506Ser (NM_172057.3); short protein forms P506S, P846S.
Identifiers: ClinVar variation 67409 (VCV000067409.15), dbSNP rs199473006, ClinGen allele CA006916.

ClinVar aggregate classification (germline): Conflicting classifications of pathogenicity. Review status: criteria provided, conflicting classifications (1 of 4 stars). 6 submissions from 6 submitters: Pathogenic (1); Likely pathogenic (3); Uncertain significance (1). 1 of the submissions does not count toward it. Last evaluated 2026-04-08.

Conditions:
Cardiovascular phenotype. Identifiers: MedGen CN230736.
Cardiac arrhythmia. Also called: Arrhythmia; Cardiac rhythm disease. Identifiers: MedGen C0003811, MONDO:0007263, HP:0011675.
KCNH2-related disorder. Also called: KCNH2-related disorders; KCNH2-related condition.
Familial long QT syndrome (RWS). Also called: Congenital long QT syndrome; Romano-Ward syndrome; VENTRICULAR FIBRILLATION WITH PROLONGED QT INTERVAL. Identifiers: Orphanet 768, MedGen C1141890, MONDO:0019171.
Long QT syndrome (LQTS). Identifiers: MedGen C0023976, MeSH D008133, MONDO:0002442. Disease mechanism: loss of function. Inheritance: Various modes of inheritance.

Submissions (6):

Ambry Genetics
Classification: Likely pathogenic for Cardiovascular phenotype. Last evaluated: 2026-04-08. Review status: criteria provided, single submitter. Criteria: Ambry Variant Classification Scheme 2023. Collection method: clinical testing. Allele origin: germline.
Comment: The c.2536C>T (p.P846S) alteration is located in exon 10 (coding exon 10) of the KCNH2 gene. This alteration results from a C to T substitution at nucleotide position 2536, causing the proline (P) at amino acid position 846 to be replaced by a serine (S). This variant was not reported in population-based cohorts in the Genome Aggregation Database (gnomAD). This variant was reported in individual(s) with features consistent with long QT syndrome (LQTS) (Kapplinger, 2009; Ebrahim, 2017; Ambry internal data). Another variant at the same codon, p.P846T (c.2536C>A), has also been identified in individual(s) with features consistent with LQTS (Oka, 2010). This nucleotide position is highly conserved in available vertebrate species. Functional studies suggest this variant may impact protein trafficking; however, additional evidence is needed to confirm this finding (Anderson, 2014). This alteration is predicted to be deleterious by in silico analysis. Based on the available evidence, this alteration is classified as likely pathogenic.

Labcorp Genetics (formerly Invitae), Labcorp
Classification: Pathogenic for Long QT syndrome. Last evaluated: 2025-10-28. Review status: criteria provided, single submitter. Criteria: Invitae Variant Classification Sherloc (09022015). Collection method: clinical testing. Allele origin: germline.
Comment: This sequence change replaces proline, which is neutral and non-polar, with serine, which is neutral and polar, at codon 846 of the KCNH2 protein (p.Pro846Ser). This variant is not present in population databases (gnomAD no frequency). This missense change has been observed in individuals with long QT syndrome (PMID: 19716085, 28532774; internal data). ClinVar contains an entry for this variant (Variation ID: 67409). An algorithm developed to predict the effect of missense changes on protein structure and function (PolyPhen-2) suggests that this variant is likely to be disruptive. Experimental studies have shown that this missense change affects KCNH2 function (PMID: 25417810). For these reasons, this variant has been classified as Pathogenic.

Color Diagnostics, LLC DBA Color Health
Classification: Uncertain significance for Cardiac arrhythmia. Last evaluated: 2025-07-09. Review status: criteria provided, single submitter. Criteria: ACMG Guidelines, 2015. Collection method: clinical testing. Allele origin: germline.
Comment: This missense variant replaces proline with serine at codon 846 of the KCNH2 protein. This variant is located within the conserved C-terminal cytoplasmic (aa 660-1159) of the KCNH2 protein. Rare non-truncating variants in this region have been shown to be significantly overrepresented in individuals with long QT syndrome (PMID: 32893267). Computational prediction suggests that this variant may have a deleterious impact on protein structure and function. An in vitro functional study has shown that this variant causes abnormal protein trafficking (PMID: 25417810). This variant has been reported in two individuals affected with long QT syndrome (PMID: 19716085, 28532774). This variant has not been identified in the general population by the Genome Aggregation Database (gnomAD). The available evidence is insufficient to determine the role of this variant in disease conclusively. Therefore, this variant is classified as a Variant of Uncertain Significance.

PreventionGenetics, part of Exact Sciences
Classification: Likely pathogenic for KCNH2-related condition. Last evaluated: 2023-06-07. Review status: criteria provided, single submitter. Criteria: ACMG Guidelines, 2015. Collection method: clinical testing. Allele origin: germline.
Comment: The KCNH2 c.2536C>T variant is predicted to result in the amino acid substitution p.Pro846Ser. This variant has been reported in an individuals with Long QT syndrome (Table S2, Kapplinger et al. 2009. PubMed ID: 19716085; Table 2, Ebrahim et al. 2017. PubMed ID: 28532774). In vitro experimental studies suggest this variant impacts protein function (Table S1 and S3, Anderson et al. 2014. PubMed ID: 25417810). This variant has not been reported in a large population database, indicating this variant is rare. An alternate nucleotide change affecting the same amino acid (p.Pro846Thr) has been reported to be associated with Long QT syndrome (Table 1, Nagaoka et al. 2008. PubMed ID: 18441445; Oka et al. 2010. PubMed ID: 20975234 ). This variant is interpreted as likely pathogenic.

GeneDx
Classification: Likely pathogenic. Last evaluated: 2022-12-22. Review status: criteria provided, single submitter. Criteria: GeneDx Variant Classification Process June 2021. Collection method: clinical testing. Allele origin: germline. Affected: yes.
Comment: Published functional studies suggest a damaging effect on protein trafficking (Anderson et al., 2014); In silico analysis supports that this missense variant has a deleterious effect on protein structure/function; Not observed at significant frequency in large population cohorts (gnomAD); This variant is associated with the following publications: (PMID: 19716085, 25417810, 28532774)

Cardiovascular Biomedical Research Unit, Royal Brompton & Harefield NHS Foundation Trust
No classification provided. Condition: Familial long QT syndrome. Review status: no classification provided. Collection method: literature only. Allele origin: germline. Not counted in ClinVar's aggregate classification.
Comment: This variant has been reported as associated with Long QT syndrome in the following publications (PMID:19716085). This is a literature report, and does not necessarily reflect the clinical interpretation of the Imperial College / Royal Brompton Cardiovascular Genetics laboratory.

Literature cited by the submitters: PubMed 19716085 (cited by 4 submitters); PubMed 20975234 (cited by Ambry Genetics); PubMed 25417810 (cited by 3 submitters); PubMed 28532774 (cited by 3 submitters); PubMed 32893267 (cited by Color Diagnostics, LLC DBA Color Health); PubMed 22581653 (cited by Cardiovascular Biomedical Research Unit, Royal Brompton & Harefield NHS Foundation Trust).